The following is an entry in ClinVar:

ClinVar aggregate classification (germline): Uncertain significance (1 of 4 stars; one submission).

Conditions:
Drash syndrome (DDS). Also called: WILMS TUMOR AND PSEUDO- OR TRUE HERMAPHRODITISM; NEPHROPATHY, WILMS TUMOR, AND GENITAL ANOMALIES. Identifiers: Orphanet 220, MedGen C0950121, MONDO:0008682, OMIM 194080.
Wilms tumor 1 (WT1). Also called: Wilms tumor, somatic. Identifiers: Orphanet 654, MedGen CN033288, MONDO:0008679, OMIM 194070.
11p partial monosomy syndrome (WAGR). Also called: WAGR Spectrum Disorder; CHROMOSOME 11p13 DELETION SYNDROME; WAGR Complex; WAGR syndrome. Identifiers: Orphanet 893, MedGen C0206115, MONDO:0008681, OMIM 194072.
Frasier syndrome. Identifiers: Orphanet 347, MedGen C0950122, MeSH D052159, MONDO:0007635, OMIM 136680.

Submission:

Labcorp Genetics (formerly Invitae), Labcorp
Classification: Uncertain significance for Wilms tumor 1; Drash syndrome; 11p partial monosomy syndrome; Frasier syndrome. Last evaluated: 2021-02-16. Review status: criteria provided, single submitter. Criteria: Invitae Variant Classification Sherloc (09022015). Collection method: clinical testing. Allele origin: germline.
Comment: In summary, the available evidence is currently insufficient to determine the role of this variant in disease. Therefore, it has been classified as a Variant of Uncertain Significance. Algorithms developed to predict the effect of missense changes on protein structure and function are either unavailable or do not agree on the potential impact of this missense change (SIFT: "Not Available"; PolyPhen-2: "Benign"; Align-GVGD: "Not Available"). This variant has not been reported in the literature in individuals with WT1-related conditions. The frequency data for this variant in the population databases is considered unreliable, as metrics indicate insufficient coverage at this position in the ExAC database. This sequence change replaces alanine with asparagine at codon 46 of the WT1 protein (p.Ala46Asn). The alanine residue is weakly conserved and there is a moderate physicochemical difference between alanine and asparagine.

NM_024426.6(WT1):c.151_152delinsAA (p.Ala51Asn)

Genes: WT1 (WT1 transcription factor; minus strand), LOC107982234 (WT1/WT1-AS bi-directional promoter region; plus strand). Cytogenetic location: 11p13.
Variant type: Indel.
Coding change: c.151_152delinsAA on transcript NM_024426.6 (MANE Select); coding-DNA positions 151 to 152, GC replaced by AA.
Protein change: p.Ala51Asn; replaces alanine 51 with asparagine.
Molecular consequence: missense variant. On other transcripts: non-coding transcript variant (1).
Genome position (GRCh38, 1-based): chr11:32,435,209-32,435,210, GC replaced by TT on the plus strand (GC replaced by AA on the coding strand, the reverse complement: WT1 is on the minus strand). VCF-style: chr11-32435209-GC-TT. GRCh37 (hg19) VCF-style: chr11-32456755-GC-TT.
Other names: c.151_152delinsAA, p.Ala51Asn (NM_000378.6, NM_024424.5); short protein forms A51N.
Identifiers: ClinVar variation 1467914 (VCV001467914.6), dbSNP rs2133106703, ClinGen allele CA2573146211.
Genomic context (GRCh38, chr11:32,435,209, plus strand): 5'-GGCTCAGACCCGGACGCCCCGCGGCTCCTCCGGCCCTGGAGACGTTCAGCGCTGGCCTCG[GC>TT]GGCGCCTAACTTGGCCCAGATGCCGCCCGGGTCCCGGACTCCCTGCTGCTCTGGCTGCTG-3'
Protein context (NP_077744.4, residues 41-61): PGGIWAKLGA[Ala51Asn]EASAERLQGR